The following is an entry in ClinVar:

NM_007294.4(BRCA1):c.2180C>T (p.Pro727Leu)

Gene: BRCA1 (BRCA1 DNA repair associated; minus strand). Cytogenetic location: 17q21.31.
Variant type: single nucleotide variant.
Coding change: c.2180C>T on transcript NM_007294.4 (MANE Select); coding-DNA position 2180, C replaced by T.
Protein change: p.Pro727Leu; replaces proline 727 with leucine.
Molecular consequence: missense variant. On other transcripts: intron variant (137).
Genome position (GRCh38, 1-based): chr17:43,093,351, G>A on the plus strand (C>T on the coding strand, the complement: BRCA1 is on the minus strand). VCF-style: chr17-43093351-G-A. GRCh37 (hg19) VCF-style: chr17-41245368-G-A.
Other names: 2299C>T; c.2036C>T, p.Pro679Leu (NM_001407848.1, NM_001407849.1, NM_001407943.1 and 20 more transcripts); c.2039C>T, p.Pro680Leu (NM_001407850.1, NM_001407851.1, NM_001407852.1 and 29 more transcripts); c.1967C>T, p.Pro656Leu (NM_001407853.1, NM_001407894.1, NM_001407895.1 and 9 more transcripts); c.2180C>T, p.Pro727Leu (NM_001407854.1, NM_001407858.1, NM_001407859.1 and 30 more transcripts); c.2177C>T, p.Pro726Leu (NM_001407860.1, NM_001407861.1, NM_001407587.1 and 22 more transcripts); c.1979C>T, p.Pro660Leu (NM_001407862.1); c.2057C>T, p.Pro686Leu (NM_001407863.1, NM_001407919.1, NM_001407937.1 and 19 more transcripts); and 42 more; short protein forms P727L, P680L, P599L, P639L, P659L, P660L, P615L, P657L.
Identifiers: ClinVar variation 54486 (VCV000054486.35), dbSNP rs80356912, ClinGen allele CA001457.
Genomic context (GRCh38, chr17:43,093,351, plus strand): 5'-GGGTCTTCAGCATTATTAGACACTTTAACTGTTTCTAGTTTCTCTTCTTTTTCTTCTCTT[G>A]GAAGGCTAGGATTGACAAATTCTTTAAGTTCACTGGTATTTGAACACTTAGTAAAAGAAC-3'
Protein context (NP_009225.1, residues 717-737): ELKEFVNPSL[Pro727Leu]REEKEEKLET

ClinVar aggregate classification (germline): Benign. Review status: reviewed by expert panel (3 of 4 stars). 11 submissions from 11 submitters: Benign (1). 10 of the submissions do not count toward it. Last evaluated 2019-06-18.

Conditions:
BRCA1-related disorder. Also called: BRCA1-related condition.
Hereditary cancer-predisposing syndrome. Also called: Tumor predisposition; Neoplastic Syndromes, Hereditary; Hereditary Cancer Syndrome; Hereditary neoplastic syndrome. Identifiers: Orphanet 140162, MedGen C0027672, MeSH D009386, MONDO:0015356.
Hereditary breast ovarian cancer syndrome. Also called: Hereditary breast and ovarian cancer syndrome (HBOC); Hereditary breast and ovarian cancer syndrome; Hereditary breast and ovarian cancer; Hereditary breast and/or ovarian cancer syndrome; Breast and ovarian cancer; BRCA1- and BRCA2-Associated Hereditary Breast and Ovarian Cancer. Identifiers: Orphanet 145, MedGen C0677776, MeSH D061325, MONDO:0003582. Disease mechanism: loss of function.
Breast-ovarian cancer, familial, susceptibility to, 1 (BROVCA1). Also called: OVARIAN CANCER, SUSCEPTIBILITY TO; BRCA1 Hereditary Breast and Ovarian Cancer. Identifiers: Orphanet 145, MedGen C2676676, MONDO:0011450, OMIM 604370. Disease mechanism: loss of function.

Allele frequency attached by ClinVar (database versions not stated): gnomAD exomes below 0.00001 and 0.00001; TOPMed below 0.00001; ExAC 0.00002.
gnomAD v4.1: 4 of 1,613,294 alleles (0.00025%); highest among the groups gnomAD compares: Non-Finnish European, 0.00025%; no homozygotes.

Submissions (11):

Evidence-based Network for the Interpretation of Germline Mutant Alleles (ENIGMA)
Classification: Benign for Breast-ovarian cancer, familial, susceptibility to, 1. Last evaluated: 2019-06-18. Review status: reviewed by expert panel. Criteria: ENIGMA BRCA1/2 Classification Criteria (2017-06-29). Collection method: curation. Allele origin: germline.
Comment: IARC class based on posterior probability from multifactorial likelihood analysis, thresholds for class as per Plon et al. 2008 (PMID: 18951446). Class 1 based on posterior probability = 0.000167

Color Diagnostics, LLC DBA Color Health
Classification: Likely benign for Hereditary cancer-predisposing syndrome. Last evaluated: 2025-09-10. Review status: criteria provided, single submitter. Criteria: ACMG Guidelines, 2015. Collection method: clinical testing. Allele origin: germline. Not counted in ClinVar's aggregate classification.

PreventionGenetics, part of Exact Sciences
Classification: Likely benign for BRCA1-related condition. Last evaluated: 2025-04-30. Review status: criteria provided, single submitter. Criteria: ACMG Guidelines, 2015. Collection method: clinical testing. Allele origin: germline. Not counted in ClinVar's aggregate classification.
Comment: This variant is classified as likely benign based on ACMG/AMP sequence variant interpretation guidelines (Richards et al. 2015 PMID: 25741868, with internal and published modifications).

Ambry Genetics
Classification: Uncertain significance for Hereditary cancer-predisposing syndrome. Last evaluated: 2025-03-26. Review status: criteria provided, single submitter. Criteria: Ambry Variant Classification Scheme 2023. Collection method: clinical testing. Allele origin: germline. Not counted in ClinVar's aggregate classification.
Comment: The p.P727L variant (also known as c.2180C>T), located in coding exon 9 of the BRCA1 gene, results from a C to T substitution at nucleotide position 2180. The proline at codon 727 is replaced by leucine, an amino acid with similar properties. This alteration was detected in an individual with a personal and family history of pancreatic cancer (Ghiorzo P et al. J. Med. Genet. 2012 Mar;49(3):164-70). This alteration was also classified as benign in a multifactorial model of variant interpretation that incorporates co-segregation, family history, co-occurrence and tumor pathology and case-control data (Parsons MT et al. Hum Mutat, 2019 09;40:1557-1578). This amino acid position is poorly conserved in available vertebrate species. In addition, this alteration is predicted to be tolerated by in silico analysis. Based on the available evidence, the clinical significance of this alteration remains unclear.

Labcorp Genetics (formerly Invitae), Labcorp
Classification: Likely benign for Hereditary breast ovarian cancer syndrome. Last evaluated: 2025-02-26. Review status: criteria provided, single submitter. Criteria: Invitae Variant Classification Sherloc (09022015). Collection method: clinical testing. Allele origin: germline. Not counted in ClinVar's aggregate classification.

Quest Diagnostics Nichols Institute San Juan Capistrano
Classification: Uncertain significance. Last evaluated: 2024-08-01. Review status: criteria provided, single submitter. Criteria: Quest Diagnostics criteria. Collection method: clinical testing. Allele origin: unknown. Not counted in ClinVar's aggregate classification.
Comment: The BRCA1 c.2180C>T (p.Pro727Leu) variant has been reported in the published literature in individuals with breast/ovarian cancer (PMIDs: 9333265 (1997), 17972171 (2008), 33471991 (2021), see also LOVD) and pancreatic cancer (PMID: 22368299 (2012)). A multifactorial analysis study characterized this variant as being benign (PMID: 31131967 (2019)). The frequency of this variant in the general population, 0.000026 (3/113314 chromosomes (Genome Aggregation Database)), is uninformative in the assessment of its pathogenicity. Analysis of this variant using bioinformatics tools for the prediction of the effect of amino acid changes on protein structure and function yielded predictions that this variant is benign. Based on the available information, we are unable to determine the clinical significance of this variant.

All of Us Research Program, National Institutes of Health
Classification: Uncertain significance for Breast-ovarian cancer, familial, susceptibility to, 1. Last evaluated: 2023-08-15. Review status: criteria provided, single submitter. Criteria: ACMG Guidelines, 2015. Collection method: clinical testing. Allele origin: germline. Inheritance: Autosomal dominant inheritance. Observed: 1 variant allele, 1 heterozygote. Not counted in ClinVar's aggregate classification.
Comment: This missense variant replaces proline with leucine at codon 727 of the BRCA1 protein. Computational prediction suggests that this variant may not impact protein structure and function (internally defined REVEL score threshold <= 0.5, PMID: 27666373). To our knowledge, functional studies have not been reported for this variant. This variant has been reported in individuals affected with pancreatic cancer (PMID: 22368299) and breast cancer (PMID: 26727311) . This variant has been identified in 3/250472 chromosomes in the general population by the Genome Aggregation Database (gnomAD). The available evidence is insufficient to determine the role of this variant in disease conclusively. Therefore, this variant is classified as a Variant of Uncertain Significance.

This study involves interpretation of variants in research participants for the purpose of population health screening. Participant phenotype was not available at the time of variant classification. Additional details can be found in publication PMID: 35346344, PMCID: PMC8962531

Women's Health and Genetics/Laboratory Corporation of America, LabCorp
Classification: Uncertain significance. Last evaluated: 2020-02-14. Review status: criteria provided, single submitter. Criteria: LabCorp Variant Classification Summary - May 2015. Collection method: clinical testing. Allele origin: germline. Not counted in ClinVar's aggregate classification.
Comment: Variant summary: BRCA1 c.2180C>T (p.Pro727Leu) results in a non-conservative amino acid change in the encoded protein sequence. Four of five in-silico tools predict a benign effect of the variant on protein function. In addition, at least two papers report that this variant was classified as non-pathogenic based on segregation analysis alone or multifactorial likelihood analysis incorporating segregation, pathology, and other data points (Flower_2015, Padilla_2019). The variant allele was found at a frequency of 1.2e-05 in 250472 control chromosomes (gnomAD). The available data on variant occurrences in the general population are insufficient to allow any conclusion about variant significance. c.2180C>T has been reported in the literature in individuals affected with breast cancer, ovarian cancer and pancreatic cancer (Shattuck-Eidens_1997, Gorringe_2008, Ghiorzo_2012). These reports do not provide unequivocal conclusions about association of the variant with Hereditary Breast and Ovarian Cancer. To our knowledge, no experimental evidence demonstrating an impact on protein function has been reported. Four ClinVar submitters (evaluation after 2014) cite the variant as uncertain significance. Based on the evidence outlined above, the variant was classified as uncertain significance.

GeneDx
Classification: Likely benign. Last evaluated: 2019-04-30. Review status: criteria provided, single submitter. Criteria: GeneDx Variant Classification Process June 2021. Collection method: clinical testing. Allele origin: germline. Affected: yes. Not counted in ClinVar's aggregate classification.
Comment: Not observed at a significant frequency in large population cohorts (Lek et al., 2016); In silico analysis, which includes protein predictors and evolutionary conservation, supports that this variant does not alter protein structure/function; This variant is associated with the following publications: (PMID: 16518693, 22368299, 26727311, 28263838)

Sharing Clinical Reports Project (SCRP)
Classification: Uncertain significance for Breast-ovarian cancer, familial 1. Last evaluated: 2011-02-28. Review status: no assertion criteria provided. Collection method: clinical testing. Allele origin: germline. Not counted in ClinVar's aggregate classification.

Breast Cancer Information Core (BIC) (BRCA1)
Classification: Uncertain significance for Breast-ovarian cancer, familial 1. Last evaluated: 1997-11-14. Review status: no assertion criteria provided. Collection method: clinical testing. Allele origin: germline. Affected: yes. Observed: 3 variant alleles. Not counted in ClinVar's aggregate classification.

Literature cited by the submitters: PubMed 31131967 (cited by 3 submitters); PubMed 16518693 (cited by 3 submitters); PubMed 22368299 (cited by 4 submitters); PubMed 31911673 (cited by Ambry Genetics); PubMed 33471991 (cited by Ambry Genetics and Quest Diagnostics Nichols Institute San Juan Capistrano); PubMed 26727311 (cited by 3 submitters); PubMed 28263838 (cited by Quest Diagnostics Nichols Institute San Juan Capistrano and Women's Health and Genetics/Laboratory Corporation of America, LabCorp); PubMed 17972171 (cited by Quest Diagnostics Nichols Institute San Juan Capistrano and Women's Health and Genetics/Laboratory Corporation of America, LabCorp); PubMed 9333265 (cited by Quest Diagnostics Nichols Institute San Juan Capistrano and Women's Health and Genetics/Laboratory Corporation of America, LabCorp); PubMed 15385441 (cited by Women's Health and Genetics/Laboratory Corporation of America, LabCorp); PubMed 21702907 (cited by Women's Health and Genetics/Laboratory Corporation of America, LabCorp); PubMed 12427538 (cited by Women's Health and Genetics/Laboratory Corporation of America, LabCorp); PubMed 31112341 (cited by Women's Health and Genetics/Laboratory Corporation of America, LabCorp).